The following is an entry in ClinVar:

ClinVar aggregate classification (germline): Pathogenic. Review status: criteria provided, multiple submitters, no conflicts (2 of 4 stars). 2 submissions from 2 submitters: Pathogenic (2). Last evaluated 2023-11-05.

Conditions:
Hereditary spastic paraplegia 11. Also called: Spastic Paraplegia 11; Nakamura Osame syndrome; Autosomal recessive hereditary spastic paraplegia, mental impairment, and thin corpus callosum; SPASTIC PARAPLEGIA, AUTOSOMAL RECESSIVE, COMPLICATED, WITH THIN CORPUS CALLOSUM; SPASTIC PARAPLEGIA, AUTOSOMAL RECESSIVE, WITH MENTAL IMPAIRMENT AND THIN CORPUS CALLOSUM; Spastic paraplegia, mental retardation and thin corpus callosum. Identifiers: Orphanet 2822, MedGen C1858479, MONDO:0011445, OMIM 604360.

Allele frequency attached by ClinVar (database versions not stated): gnomAD exomes below 0.00001 and 0.00001; ExAC 0.00002; gnomAD 0.00003; TOPMed 0.00003.

Submissions (2):

Labcorp Genetics (formerly Invitae), Labcorp
Classification: Pathogenic for Hereditary spastic paraplegia 11. Last evaluated: 2023-11-05. Review status: criteria provided, single submitter. Criteria: Invitae Variant Classification Sherloc (09022015). Collection method: clinical testing. Allele origin: germline.
Comment: This sequence change creates a premature translational stop signal (p.Glu1921Serfs*2) in the SPG11 gene. It is expected to result in an absent or disrupted protein product. Loss-of-function variants in SPG11 are known to be pathogenic (PMID: 19105190, 20110243, 22154821, 26556829). This variant is present in population databases (rs771558571, gnomAD 0.01%). This variant has not been reported in the literature in individuals affected with SPG11-related conditions. ClinVar contains an entry for this variant (Variation ID: 596302). For these reasons, this variant has been classified as Pathogenic.

Eurofins Ntd Llc (ga)
Classification: Pathogenic. Last evaluated: 2018-03-09. Review status: criteria provided, single submitter. Criteria: EGL ClinVar v180209 classification definitions. Collection method: clinical testing. Allele origin: germline. Observed: 1 variant allele, 1 heterozygote.

Literature cited by the submitters: PubMed 19105190 (cited by Labcorp Genetics (formerly Invitae), Labcorp); PubMed 20110243 (cited by Labcorp Genetics (formerly Invitae), Labcorp); PubMed 22154821 (cited by Labcorp Genetics (formerly Invitae), Labcorp); PubMed 26556829 (cited by Labcorp Genetics (formerly Invitae), Labcorp).

NM_025137.4(SPG11):c.5757_5758del (p.Glu1921fs)

Gene: SPG11 (SPG11 vesicle trafficking associated, spatacsin; minus strand). Cytogenetic location: 15q21.1.
Variant type: Deletion.
Coding change: c.5757_5758del on transcript NM_025137.4 (MANE Select); coding-DNA positions 5757 to 5758, 2 bases deleted (AG; older notation c.5757_5758delAG).
Protein change: p.Glu1921fs; shifts the reading frame from glutamic acid 1921.
Molecular consequence: frameshift variant.
Genome position (GRCh38, 1-based): chr15:44,583,922-44,583,923, CT deleted on the plus strand (AG on the coding strand, the reverse complement: SPG11 is on the minus strand). VCF-style (leftmost placement, unchanged base first): chr15-44583921-CCT-C. GRCh37 (hg19) VCF-style: chr15-44876119-CCT-C.
Other names: c.5757_5758del, p.Glu1921fs (NM_001160227.2); short protein forms E1921fs.
Identifiers: ClinVar variation 596302 (VCV000596302.8), dbSNP rs771558571, ClinGen allele CA7534355.
Genomic context (GRCh38, chr15:44,583,921, plus strand): 5'-AGCTCAGCACTTTGTAGGAGAGCATGGATCTCTGGGTGCAGATCCTCCATACTAGCTTCC[CCT>C]GAGGCCAGTGCTCTGCAGTGCAATACCAAGGCGACATCTGGATTATAAAAATGAAAATAC-3'